The following is an entry in ClinVar:

ClinVar aggregate classification (germline): Pathogenic (1 of 4 stars; one submission).

Conditions:
Polycystic kidney disease, adult type (PKD1). Also called: Polycystic Kidney, Autosomal Dominant; POLYCYSTIC KIDNEY DISEASE, ADULT, TYPE I; Polycystic Kidney Disease 1, Autosomal Dominant; Polycystic kidney disease 1; Polycystic kidney disease 1, severe; POLYCYSTIC KIDNEY DISEASE 1 WITH OR WITHOUT POLYCYSTIC LIVER DISEASE. Identifiers: MedGen C3149841, MONDO:0008263, OMIM 173900.

Submission:

Women's Health and Genetics/Laboratory Corporation of America, LabCorp
Classification: Pathogenic for Polycystic kidney disease, adult type. Last evaluated: 2025-09-03. Review status: criteria provided, single submitter. Criteria: LabCorp Variant Classification Summary - May 2015. Collection method: clinical testing. Allele origin: germline.
Comment: Variant summary: The variant involves the deletion of exon 3 in the PKD1 gene. This Copy Number Variant (CNV) is predicted to result in an in-frame deletion within this gene. A presumed nomenclature of c.(287+1_288-1)_(359+1_360-1)del has been designated for the purposes of this classification. The variant was absent in 21590 control chromosomes. c.(287+1_288-1)_(359+1_360-1)del has been observed in individual(s) affected with Polycystic Kidney Disease 1 (examples: Hwang_2016, Kinoshita_2016, Shang_2022). These data indicate that the variant is likely to be associated with disease. The following publications have been ascertained in the context of this evaluation (PMID: 27835667, 36699011, 26453610). No submitters have cited clinical-significance assessments for this variant to ClinVar. Based on the evidence outlined above, the variant was classified as pathogenic.

Literature cited by the submitters: PubMed 26453610; PubMed 27835667; PubMed 36699011.

NC_000016.9:g.(2168847_2169114)_(2169187_2169307)del

Gene: PKD1 (polycystin 1, transient receptor potential channel interacting; minus strand). Cytogenetic location: 16p13.3.
Variant type: Deletion.
Identifiers: ClinVar variation 4535873 (VCV004535873.1).